The following is an entry in ClinVar:

NM_001258392.3(CLPB):c.403+4A>G

Gene: CLPB (ClpB family mitochondrial disaggregase; minus strand). Cytogenetic location: 11q13.4.
Variant type: single nucleotide variant.
Coding change: c.403+4A>G on transcript NM_001258392.3 (MANE Select); 4 bases into the intron after coding-DNA position 403, A replaced by G.
Molecular consequence: intron variant.
Genome position (GRCh38, 1-based): chr11:72,434,068, T>C on the plus strand (A>G on the coding strand, the complement: CLPB is on the minus strand). VCF-style: chr11-72434068-T-C. GRCh37 (hg19) VCF-style: chr11-72145112-T-C.
Other names: c.403+4A>G (NM_001258393.3, NM_030813.6); c.161+4A>G (NM_001258394.3).
Identifiers: ClinVar variation 2632403 (VCV002632403.1), dbSNP rs2496010986, ClinGen allele CA2574914076.
Genomic context (GRCh38, chr11:72,434,068, plus strand): 5'-TAAGATACGAAGTTAGGACAATCTTCCCGCCTCTCCCTTCCTCAAACCCAGATCTCATAA[T>C]CACCCTTGTTGGACGGACTCTTGCTGTAGCAATGAACCACCAGCGCTGCGGCCAGGGCGC-3'

ClinVar aggregate classification (germline): Uncertain significance (1 of 4 stars; one submission).

Conditions:
CLPB-related disorder. Also called: CLPB-related condition.

Submission:

PreventionGenetics, part of Exact Sciences
Classification: Uncertain significance for CLPB-related condition. Last evaluated: 2023-06-30. Review status: criteria provided, single submitter. Criteria: ACMG Guidelines, 2015. Collection method: clinical testing. Allele origin: germline.
Comment: The CLPB c.403+4A>G variant is predicted to interfere with splicing. To our knowledge, this variant has not been reported in the literature or in a large population database, indicating this variant is rare. At this time, the clinical significance of this variant is uncertain due to the absence of conclusive functional and genetic evidence.